The following is an entry in ClinVar:

ClinVar aggregate classification (germline): Conflicting classifications of pathogenicity. Review status: criteria provided, conflicting classifications (1 of 4 stars). 2 submissions from 2 submitters: Uncertain significance (1); Likely benign (1). Last evaluated 2023-10-04.

Conditions:
Inborn genetic diseases. Identifiers: MedGen C0950123, MeSH D030342.
Focal segmental glomerulosclerosis 5 (FSGS5). Identifiers: Orphanet 656, MedGen C2750475, MONDO:0013191, OMIM 613237.
Charcot-Marie-Tooth disease dominant intermediate E. Also called: CHARCOT-MARIE-TOOTH NEUROPATHY WITH FOCAL SEGMENTAL GLOMERULONEPHRITIS. Identifiers: Orphanet 93114, MedGen C4302667, MONDO:0013758, OMIM 614455.

Allele frequency attached by ClinVar (database versions not stated): gnomAD 0.00001; gnomAD exomes 0.00001; TOPMed 0.00001; ExAC 0.00004; 1000 Genomes Project 30x 0.00016; 1000 Genomes Project 0.00020.
gnomAD v4.1: 21 of 1,567,440 alleles (0.0013%); highest among the groups gnomAD compares: East Asian, 0.0024%; no homozygotes.

Submissions (2):

Labcorp Genetics (formerly Invitae), Labcorp
Classification: Likely benign for Charcot-Marie-Tooth disease dominant intermediate E; Focal segmental glomerulosclerosis 5. Last evaluated: 2023-10-04. Review status: criteria provided, single submitter. Criteria: Invitae Variant Classification Sherloc (09022015). Collection method: clinical testing. Allele origin: germline.

Ambry Genetics
Classification: Uncertain significance for Inborn genetic diseases. Last evaluated: 2021-07-16. Review status: criteria provided, single submitter. Criteria: Ambry Variant Classification Scheme 2023. Collection method: clinical testing. Allele origin: germline.
Comment: The p.R797H variant (also known as c.2390G>A), located in coding exon 14 of the INF2 gene, results from a G to A substitution at nucleotide position 2390. The arginine at codon 797 is replaced by histidine, an amino acid with highly similar properties. This amino acid position is highly conserved in available vertebrate species. In addition, this alteration is predicted to be tolerated by in silico analysis. Since supporting evidence is limited at this time, the clinical significance of this alteration remains unclear.

NM_022489.4(INF2):c.2390G>A (p.Arg797His)

Gene: INF2 (inverted formin 2; plus strand). Cytogenetic location: 14q32.33.
Variant type: single nucleotide variant.
Coding change: c.2390G>A on transcript NM_022489.4 (MANE Select); coding-DNA position 2390, G replaced by A.
Protein change: p.Arg797His; replaces arginine 797 with histidine.
Molecular consequence: missense variant.
Genome position (GRCh38, 1-based): chr14:104,711,158, G>A. VCF-style: chr14-104711158-G-A. GRCh37 (hg19) VCF-style: chr14-105177495-G-A.
Other names: c.2390G>A, p.Arg797His (NM_001031714.4); short protein forms R797H.
Identifiers: ClinVar variation 1475012 (VCV001475012.8), dbSNP rs200261709, ClinGen allele CA7372899.
Genomic context (GRCh38, chr14:104,711,158, plus strand): 5'-CCGACGGCTTCAAGATCAGCACATTGCTGAAGCTCACGGAGACCAAGTCCCAGCAGAACC[G>A]CGTGACGCTGCTGCACCACGTGCTGGAGGTGGGCCGTGGTGGCGGGGGCATAATGGGAGG-3'
Protein context (NP_071934.3, residues 787-807): KLTETKSQQN[Arg797His]VTLLHHVLEE